The following is an entry in ClinVar:

ClinVar aggregate classification (germline): Uncertain significance (1 of 4 stars; one submission).

Conditions:
Primary ciliary dyskinesia. Also called: Ciliary dyskinesia. Identifiers: Orphanet 244, MedGen C0008780, MONDO:0016575, HP:0012265.

Allele frequency attached by ClinVar (database versions not stated): gnomAD 0.00001; TOPMed 0.00002; ExAC 0.00010.
gnomAD v4.1: 51 of 1,550,306 alleles (0.0033%); highest among the groups gnomAD compares: South Asian, 0.012%; no homozygotes.

Submission:

Labcorp Genetics (formerly Invitae), Labcorp
Classification: Uncertain significance for Primary ciliary dyskinesia. Last evaluated: 2024-10-12. Review status: criteria provided, single submitter. Criteria: Invitae Variant Classification Sherloc (09022015). Collection method: clinical testing. Allele origin: germline.
Comment: This sequence change replaces arginine, which is basic and polar, with cysteine, which is neutral and slightly polar, at codon 15 of the CCDC114 protein (p.Arg15Cys). This variant is present in population databases (rs754968402, gnomAD 0.01%). This variant has not been reported in the literature in individuals affected with CCDC114-related conditions. ClinVar contains an entry for this variant (Variation ID: 525376). An algorithm developed to predict the effect of missense changes on protein structure and function (PolyPhen-2) suggests that this variant¬†is likely to be tolerated. In summary, the available evidence is currently insufficient to determine the role of this variant in disease. Therefore, it has been classified as a Variant of Uncertain Significance.

NM_001364171.2(ODAD1):c.154C>T (p.Arg52Cys)

Gene: ODAD1 (outer dynein arm docking complex subunit 1; minus strand). Cytogenetic location: 19q13.33.
Variant type: single nucleotide variant.
Coding change: c.154C>T on transcript NM_001364171.2 (MANE Select); coding-DNA position 154, C replaced by T.
Protein change: p.Arg52Cys; replaces arginine 52 with cysteine.
Molecular consequence: missense variant.
Genome position (GRCh38, 1-based): chr19:48,318,729, G>A on the plus strand (C>T on the coding strand, the complement: ODAD1 is on the minus strand). VCF-style: chr19-48318729-G-A. GRCh37 (hg19) VCF-style: chr19-48821986-G-A.
Other names: c.43C>T, p.Arg15Cys (NM_144577.4); short protein forms R15C, R52C.
Identifiers: ClinVar variation 525376 (VCV000525376.7), dbSNP rs754968402, ClinGen allele CA9549092.